The following is an entry in ClinVar:

NM_014244.5(ADAMTS2):c.2110G>A (p.Gly704Ser)

Gene: ADAMTS2 (ADAM metallopeptidase with thrombospondin type 1 motif 2; minus strand). Cytogenetic location: 5q35.3.
Variant type: single nucleotide variant.
Coding change: c.2110G>A on transcript NM_014244.5 (MANE Select); coding-DNA position 2110, G replaced by A.
Protein change: p.Gly704Ser; replaces glycine 704 with serine.
Molecular consequence: missense variant.
Genome position (GRCh38, 1-based): chr5:179,132,876, C>T on the plus strand (G>A on the coding strand, the complement: ADAMTS2 is on the minus strand). VCF-style: chr5-179132876-C-T. GRCh37 (hg19) VCF-style: chr5-178559877-C-T.
Other names: p.Gly704Ser; short protein forms G704S.
Identifiers: ClinVar variation 469669 (VCV000469669.17), dbSNP rs149708395, ClinGen allele CA3595656.

ClinVar aggregate classification (germline): Conflicting classifications of pathogenicity. Review status: criteria provided, conflicting classifications (1 of 4 stars). 9 submissions from 9 submitters: Uncertain significance (6); Likely benign (2). 1 of the submissions does not count toward it. Last evaluated 2026-10-23.

Conditions:
ADAMTS2-related disorder. Also called: ADAMTS2-related condition.
Ehlers-Danlos syndrome, dermatosparaxis type. Also called: Ehlers-Danlos syndrome, type VII, autosomal recessive; Dermatosparaxis; EDS VIIC. Identifiers: Orphanet 1901, MedGen C2700425, MONDO:0009161, OMIM 225410.

Allele frequency attached by ClinVar (database versions not stated): gnomAD 0.00013; TOPMed 0.00018; ESP Exome Variant Server 0.00023; gnomAD exomes 0.00023; 1000 Genomes Project 0.00040; 1000 Genomes Project 30x 0.00047; ExAC 0.00024.
gnomAD v4.1: 344 of 1,613,928 alleles (0.021%); highest among the groups gnomAD compares: Middle Eastern, 0.45%; 1 homozygote.

Submissions (9):

GeneDx
Classification: Uncertain significance. Last evaluated: 2026-10-23. Review status: criteria provided, single submitter. Criteria: GeneDx Variant Classification Process June 2021. Collection method: clinical testing. Allele origin: germline.
Comment: Has not been previously published as pathogenic or benign to our knowledge; In silico analysis supports that this missense variant has a deleterious effect on protein structure/function

Women's Health and Genetics/Laboratory Corporation of America, LabCorp
Classification: Uncertain significance. Last evaluated: 2026-03-09. Review status: criteria provided, single submitter. Criteria: LabCorp Variant Classification Summary - May 2015. Collection method: clinical testing. Allele origin: germline.
Comment: Variant summary: ADAMTS2 c.2110G>A (p.Gly704Ser) results in a non-conservative amino acid change located in the Spacer-1 domain (IPR010294) of the encoded protein sequence. Algorithms developed to predict the effect of missense changes on protein structure and function are either unavailable or do not agree on the potential impact of this missense change. The variant allele was found at a frequency of 0.00023 in 250458 control chromosomes. This frequency is not significantly higher than estimated for disease-causing variants in ADAMTS2, allowing no conclusion about variant significance. To our knowledge, no occurrence of c.2110G>A in individuals affected with ADAMTS2-related conditions and no experimental evidence demonstrating its impact on protein function have been reported. ClinVar contains an entry for this variant (Variation ID: 469669). Based on the evidence outlined above, the variant was classified as uncertain significance.

PreventionGenetics, part of Exact Sciences
Classification: Likely benign for ADAMTS2-related condition. Last evaluated: 2025-12-29. Review status: criteria provided, single submitter. Criteria: ACMG Guidelines, 2015. Collection method: clinical testing. Allele origin: germline.
Comment: This variant is classified as likely benign based on ACMG/AMP sequence variant interpretation guidelines (Richards et al. 2015 PMID: 25741868, with internal and published modifications).

Mayo Clinic Laboratories, Mayo Clinic
Classification: Likely benign. Last evaluated: 2025-09-22. Review status: criteria provided, single submitter. Criteria: ACMG Guidelines, 2015. Collection method: clinical testing. Allele origin: germline. Observed: 2 variant alleles.
Comment: BS1

Labcorp Genetics (formerly Invitae), Labcorp
Classification: Uncertain significance for Ehlers-Danlos syndrome, dermatosparaxis type. Last evaluated: 2022-10-12. Review status: criteria provided, single submitter. Criteria: Invitae Variant Classification Sherloc (09022015). Collection method: clinical testing. Allele origin: germline.
Comment: This sequence change replaces glycine, which is neutral and non-polar, with serine, which is neutral and polar, at codon 704 of the ADAMTS2 protein (p.Gly704Ser). This variant is present in population databases (rs149708395, gnomAD 0.2%). This variant has not been reported in the literature in individuals affected with ADAMTS2-related conditions. ClinVar contains an entry for this variant (Variation ID: 469669). Algorithms developed to predict the effect of missense changes on protein structure and function are either unavailable or do not agree on the potential impact of this missense change (SIFT: "Deleterious"; PolyPhen-2: "Benign"; Align-GVGD: "Class C55"). In summary, the available evidence is currently insufficient to determine the role of this variant in disease. Therefore, it has been classified as a Variant of Uncertain Significance.

Fulgent Genetics
Classification: Uncertain significance for Ehlers-Danlos syndrome, dermatosparaxis type. Last evaluated: 2021-08-11. Review status: criteria provided, single submitter. Criteria: ACMG Guidelines, 2015. Collection method: clinical testing. Allele origin: unknown.

Department of Pathology and Laboratory Medicine, Sinai Health System
Classification: Uncertain significance for Ehlers-Danlos syndrome, dermatosparaxis type. Last evaluated: 2021-07-30. Review status: criteria provided, single submitter. Criteria: ACMG Guidelines, 2015. Collection method: research. Allele origin: germline.

Breakthrough Genomics
Classification: Uncertain significance. Review status: criteria provided, single submitter. Criteria: ACMG Guidelines, 2015. Collection method: not provided. Allele origin: germline. Inheritance: Autosomal recessive inheritance. Affected: yes.

Natera, Inc.
Classification: Uncertain significance for Ehlers-Danlos syndrome type VIIC. Last evaluated: 2020-09-16. Review status: no assertion criteria provided. Collection method: clinical testing. Allele origin: germline. Not counted in ClinVar's aggregate classification.